The following is an entry in ClinVar:

NM_201384.3(PLEC):c.4246_4260dup (p.Glu1420_Glu1421insArgSerIleGlnGlu)

Gene: PLEC (plectin; minus strand). Cytogenetic location: 8q24.3.
Variant type: Duplication.
Coding change: c.4246_4260dup on transcript NM_201384.3 (MANE Select); coding-DNA positions 4246 to 4260, 15 bases duplicated (CGCAGCATTCAGGAG).
Protein change: p.Glu1420_Glu1421insArgSerIleGlnGlu.
Molecular consequence: inframe insertion.
Genome position (GRCh38, 1-based): chr8:143,925,669-143,925,683, CTCCTGAATGCTGCG duplicated on the plus strand (CGCAGCATTCAGGAG on the coding strand, the reverse complement: PLEC is on the minus strand); duplicating any 15 consecutive bases within chr8:143,925,669-143,925,685 gives the same sequence; the c. name uses the placement nearest the transcript's 3' end. VCF-style (leftmost placement, unchanged base first): chr8-143925668-C-CCTCCTGAATGCTGCG. GRCh37 (hg19) VCF-style: chr8-144999836-C-CCTCCTGAATGCTGCG.
Other names: c.4327_4341dup, p.Glu1447_Glu1448insArgSerIleGlnGlu (NM_000445.5); c.4204_4218dup, p.Glu1406_Glu1407insArgSerIleGlnGlu (NM_201378.4); c.4180_4194dup, p.Glu1398_Glu1399insArgSerIleGlnGlu (NM_201379.3); c.4657_4671dup, p.Glu1557_Glu1558insArgSerIleGlnGlu (NM_201380.4); c.4150_4164dup, p.Glu1388_Glu1389insArgSerIleGlnGlu (NM_201381.3); c.4246_4260dup, p.Glu1420_Glu1421insArgSerIleGlnGlu (NM_201382.4); c.4258_4272dup, p.Glu1424_Glu1425insArgSerIleGlnGlu (NM_201383.3).
Identifiers: ClinVar variation 2154904 (VCV002154904.4), dbSNP rs2538089337, ClinGen allele CA2518582046.

ClinVar aggregate classification (germline): Uncertain significance (1 of 4 stars; one submission).

Conditions:
Epidermolysis bullosa simplex with nail dystrophy (EBS5D). Identifiers: MedGen C4225309, MONDO:0014661, OMIM 616487.
Epidermolysis bullosa simplex 5B, with muscular dystrophy (EBS5B). Also called: EPIDERMOLYSIS BULLOSA SIMPLEX AND LIMB-GIRDLE MUSCULAR DYSTROPHY; Epidermolysis bullosa simplex with muscular dystrophy. Identifiers: Orphanet 257, MedGen C2931072, MONDO:0009181, OMIM 226670.
Epidermolysis bullosa simplex, Ogna type (EBS5A). Also called: Pidermolysis bullosa simplex 5A, Ogna type; EPIDERMOLYSIS BULLOSA SIMPLEX 5A, OGNA TYPE. Identifiers: Orphanet 79401, MedGen C0432317, MONDO:0007555, OMIM 131950.
Autosomal recessive limb-girdle muscular dystrophy type 2Q (LGMDR17). Also called: MUSCULAR DYSTROPHY, LIMB-GIRDLE, AUTOSOMAL RECESSIVE 17. Identifiers: Orphanet 254361, MedGen C3150989, MONDO:0013390, OMIM 613723.
Epidermolysis bullosa simplex 5C, with pyloric atresia (EBS5C). Also called: Epidermolysis bullosa simplex with pyloric atresia; PLEC-Related Epidermolysis Bullosa with Pyloric Atresia; PLEC1-Related Epidermolysis Bullosa with Pyloric Atresia. Identifiers: Orphanet 158684, MedGen C2677349, MONDO:0012807, OMIM 612138.

Submission:

Labcorp Genetics (formerly Invitae), Labcorp
Classification: Uncertain significance for Autosomal recessive limb-girdle muscular dystrophy type 2Q; Epidermolysis bullosa simplex, Ogna type; Epidermolysis bullosa simplex with nail dystrophy; Epidermolysis bullosa simplex 5C, with pyloric atresia; Epidermolysis bullosa simplex 5B, with muscular dystrophy. Last evaluated: 2023-11-13. Review status: criteria provided, single submitter. Criteria: Invitae Variant Classification Sherloc (09022015). Collection method: clinical testing. Allele origin: germline.
Comment: This variant, c.4327_4341dup, results in the insertion of 5 amino acid(s) of the PLEC protein (p.Arg1443_Glu1447dup), but otherwise preserves the integrity of the reading frame. This variant is not present in population databases (gnomAD no frequency). This variant has not been reported in the literature in individuals affected with PLEC-related conditions. ClinVar contains an entry for this variant (Variation ID: 2154904). In summary, the available evidence is currently insufficient to determine the role of this variant in disease. Therefore, it has been classified as a Variant of Uncertain Significance.